The following is an entry in ClinVar:

ClinVar aggregate classification (germline): Uncertain significance (1 of 4 stars; one submission).

Conditions:
SH2B1-related disorder. Also called: SH2B1-related condition.

Allele frequency attached by ClinVar (database versions not stated): ExAC 0.00001.

Submission:

PreventionGenetics, part of Exact Sciences
Classification: Uncertain significance for SH2B1-related condition. Last evaluated: 2025-08-26. Review status: criteria provided, single submitter. Criteria: ACMG Guidelines, 2015. Collection method: clinical testing. Allele origin: germline.
Comment: The SH2B1 c.2002G>A variant is predicted to result in the amino acid substitution p.Asp668Asn. To our knowledge, this variant has not been reported in the literature. This variant is reported in 0.0065% of alleles in individuals of African descent in gnomAD. At this time, the clinical significance of this variant is uncertain due to the absence of conclusive functional and genetic evidence.

NM_001387430.1(SH2B1):c.1902G>A (p.Pro634=)

Gene: SH2B1 (SH2B adaptor protein 1; plus strand). Cytogenetic location: 16p11.2.
Variant type: single nucleotide variant.
Coding change: c.1902G>A on transcript NM_001387430.1 (MANE Select); coding-DNA position 1902, G replaced by A.
Protein change: p.Pro634=; no amino-acid change (proline 634 retained).
Molecular consequence: synonymous variant. On other transcripts: missense variant (4), 3 prime UTR variant (1).
Genome position (GRCh38, 1-based): chr16:28,873,451, G>A. VCF-style: chr16-28873451-G-A. GRCh37 (hg19) VCF-style: chr16-28884772-G-A.
Other names: c.1902G>A, p.Pro634= (NM_001145795.2, NM_001308293.2, NM_001387404.1); c.2002G>A, p.Asp668Asn (NM_001145796.2, NM_001145812.2, NM_015503.3); c.*3G>A (NM_001145797.2); c.994G>A, p.Asp332Asn (NM_001308294.2); short protein forms D332N, D668N.
Identifiers: ClinVar variation 3036643 (VCV003036643.3), dbSNP rs768714872, ClinGen allele CA7986393.
Genomic context (GRCh38, chr16:28,873,451, plus strand): 5'-CGGCAGGAGCTCACCTGCCTCCACAATCAGTCTGTTTTCTTACCATTCCTATCCAGAACC[G>A]ACCACCTCCCATGACCCACCCCAGCCCCCTGAACCCCCTTCATGGACAGATCCCCCACAG-3'
Protein context (NP_001374359.1, residues 624-644): YVPSSQRQQE[Pro634=]TTSHDPPQPP